The following is an entry in ClinVar:

NM_005732.4(RAD50):c.1361A>C (p.Gln454Pro)

Gene: RAD50 (RAD50 double strand break repair protein; plus strand). Cytogenetic location: 5q31.1.
Variant type: single nucleotide variant.
Coding change: c.1361A>C on transcript NM_005732.4 (MANE Select); coding-DNA position 1361, A replaced by C.
Protein change: p.Gln454Pro; replaces glutamine 454 with proline.
Molecular consequence: missense variant.
Genome position (GRCh38, 1-based): chr5:132,589,746, A>C. VCF-style: chr5-132589746-A-C. GRCh37 (hg19) VCF-style: chr5-131925438-A-C.
Other names: short protein forms Q454P.
Identifiers: ClinVar variation 818982 (VCV000818982.4), dbSNP rs1580993488, ClinGen allele CA360944322.

ClinVar aggregate classification (germline): Uncertain significance (1 of 4 stars; one submission).

Conditions:
Hereditary cancer-predisposing syndrome. Also called: Tumor predisposition; Hereditary neoplastic syndrome; Neoplastic Syndromes, Hereditary; Hereditary Cancer Syndrome. Identifiers: Orphanet 140162, MedGen C0027672, MeSH D009386, MONDO:0015356.

Submission:

Ambry Genetics
Classification: Uncertain significance for Hereditary cancer-predisposing syndrome. Last evaluated: 2019-07-23. Review status: criteria provided, single submitter. Criteria: Ambry Variant Classification Scheme 2023. Collection method: clinical testing. Allele origin: germline.
Comment: The p.Q454P variant (also known as c.1361A>C), located in coding exon 9 of the RAD50 gene, results from an A to C substitution at nucleotide position 1361. The glutamine at codon 454 is replaced by proline, an amino acid with similar properties. This amino acid position is well conserved in available vertebrate species. In addition, this alteration is predicted to be tolerated by in silico analysis. Since supporting evidence is limited at this time, the clinical significance of this alteration remains unclear.